The following is an entry in ClinVar:

ClinVar aggregate classification (germline): Uncertain significance (1 of 4 stars; one submission).

Conditions:
Capillary malformation-arteriovenous malformation syndrome. Also called: Capillary malformation-arteriovenous malformation. Identifiers: Orphanet 137667, MedGen C1842180, MONDO:0012016.

Submission:

Labcorp Genetics (formerly Invitae), Labcorp
Classification: Uncertain significance for Capillary malformation-arteriovenous malformation syndrome. Last evaluated: 2025-02-05. Review status: criteria provided, single submitter. Criteria: Invitae Variant Classification Sherloc (09022015). Collection method: clinical testing. Allele origin: germline.
Comment: This sequence change replaces aspartic acid, which is acidic and polar, with glycine, which is neutral and non-polar, at codon 280 of the RASA1 protein (p.Asp280Gly). This variant is not present in population databases (gnomAD no frequency). This variant has not been reported in the literature in individuals affected with RASA1-related conditions. ClinVar contains an entry for this variant (Variation ID: 2128294). An algorithm developed to predict the effect of missense changes on protein structure and function (PolyPhen-2) suggests that this variant is likely to be disruptive. Algorithms developed to predict the effect of sequence changes on RNA splicing suggest that this variant may disrupt the consensus splice site. In summary, the available evidence is currently insufficient to determine the role of this variant in disease. Therefore, it has been classified as a Variant of Uncertain Significance.

NM_002890.3(RASA1):c.839A>G (p.Asp280Gly)

Genes: CCNH (cyclin H; minus strand), RASA1 (RAS p21 protein activator 1; plus strand). Cytogenetic location: 5q14.3.
Variant type: single nucleotide variant.
Coding change: c.839A>G on transcript NM_002890.3 (MANE Select); coding-DNA position 839, A replaced by G.
Protein change: p.Asp280Gly; replaces aspartic acid 280 with glycine.
Molecular consequence: missense variant. On other transcripts: intron variant (1).
Genome position (GRCh38, 1-based): chr5:87,333,277, A>G. VCF-style: chr5-87333277-A-G. GRCh37 (hg19) VCF-style: chr5-86629094-A-G.
Other names: c.308A>G, p.Asp103Gly (NM_022650.3); c.934-20482T>C (NM_001364075.2); short protein forms D280G, D103G.
Identifiers: ClinVar variation 2128294 (VCV002128294.4), dbSNP rs2531194774, ClinGen allele CA360378185.